The following is an entry in ClinVar:

NM_001367561.1(DOCK7):c.3001C>T (p.Arg1001Trp)

Gene: DOCK7 (dedicator of cytokinesis 7; minus strand). Cytogenetic location: 1p31.3.
Variant type: single nucleotide variant.
Coding change: c.3001C>T on transcript NM_001367561.1 (MANE Select); coding-DNA position 3001, C replaced by T.
Protein change: p.Arg1001Trp; replaces arginine 1001 with tryptophan.
Molecular consequence: missense variant.
Genome position (GRCh38, 1-based): chr1:62,542,652, G>A on the plus strand (C>T on the coding strand, the complement: DOCK7 is on the minus strand). VCF-style: chr1-62542652-G-A. GRCh37 (hg19) VCF-style: chr1-63008323-G-A.
Other names: c.3001C>T, p.Arg1001Trp (NM_001271999.2, NM_001330614.2); c.2908C>T, p.Arg970Trp (NM_001272000.2, NM_001272001.2, NM_033407.4); short protein forms R1001W, R970W.
Identifiers: ClinVar variation 1009063 (VCV001009063.6), dbSNP rs773541942, ClinGen allele CA886106.
Genomic context (GRCh38, chr1:62,542,652, plus strand): 5'-CTCAGTTTTTGCTCACCATTAATTCAAAAAAGAACCAGGCTTGTTGCAAAGCTGATTCCC[G>A]AACGCTGCCACTGCAAACAACCCACTGCAAAGCCAGCTCCTCGTGAAAAAGCTATCCAGA-3'
Protein context (NP_001354490.1, residues 991-1011): LQWVVCSGSV[Arg1001Trp]ESALQQAWFF

ClinVar aggregate classification (germline): Uncertain significance (1 of 4 stars; one submission).

Conditions:
Developmental and epileptic encephalopathy, 23 (DEE23). Also called: Epileptic encephalopathy, early infantile, 23. Identifiers: Orphanet 411986, MedGen C4014492, MONDO:0014371, OMIM 615859.

Allele frequency attached by ClinVar (database versions not stated): TOPMed 0.00001; gnomAD 0.00002; gnomAD exomes 0.00004; ExAC 0.00002.
gnomAD v4.1: 75 of 1,612,698 alleles (0.0047%); highest among the groups gnomAD compares: Admixed American, 0.0067%; no homozygotes.

Submission:

Labcorp Genetics (formerly Invitae), Labcorp
Classification: Uncertain significance for Developmental and epileptic encephalopathy, 23. Last evaluated: 2021-09-02. Review status: criteria provided, single submitter. Criteria: Invitae Variant Classification Sherloc (09022015). Collection method: clinical testing. Allele origin: germline.
Comment: This sequence change replaces arginine with tryptophan at codon 1001 of the DOCK7 protein (p.Arg1001Trp). The arginine residue is highly conserved and there is a moderate physicochemical difference between arginine and tryptophan. This variant is present in population databases (rs773541942, ExAC 0.005%). This variant has not been reported in the literature in individuals affected with DOCK7-related conditions. Algorithms developed to predict the effect of missense changes on protein structure and function are either unavailable or do not agree on the potential impact of this missense change (SIFT: "Deleterious"; PolyPhen-2: "Probably Damaging"; Align-GVGD: "Class C0"). In summary, the available evidence is currently insufficient to determine the role of this variant in disease. Therefore, it has been classified as a Variant of Uncertain Significance.